The following is an entry in ClinVar:

ClinVar aggregate classification (germline): Pathogenic (1 of 4 stars; one submission).

Conditions:
Hereditary cancer-predisposing syndrome. Also called: Neoplastic Syndromes, Hereditary; Tumor predisposition; Hereditary Cancer Syndrome; Hereditary neoplastic syndrome. Identifiers: Orphanet 140162, MedGen C0027672, MeSH D009386, MONDO:0015356.

Submission:

Ambry Genetics
Classification: Pathogenic for Hereditary cancer-predisposing syndrome. Last evaluated: 2015-04-06. Review status: criteria provided, single submitter. Criteria: Ambry Variant Classification Scheme 2023. Collection method: clinical testing. Allele origin: germline.
Comment: The p.L2115* pathogenic mutation (also known as c.6344T>G), located in coding exon 15 of the APC gene, results from a T to G substitution at nucleotide position 6344. This changes the amino acid from a leucine to a stop codon within coding exon 15. Since premature stop codons are typically deleterious in nature, this alteration is interpreted as a disease-causing mutation (ACMG Recommendations for Standards for Interpretation and Reporting of Sequence Variations. Revision 2007. Genet Med. 2008;10:294).

NM_000038.6(APC):c.6344T>G (p.Leu2115Ter)

Gene: APC (APC regulator of Wnt signaling pathway; plus strand). Cytogenetic location: 5q22.2.
Variant type: single nucleotide variant.
Coding change: c.6344T>G on transcript NM_000038.6 (MANE Select); coding-DNA position 6344, T replaced by G.
Protein change: p.Leu2115Ter; replaces leucine 2115 with a stop codon.
Molecular consequence: nonsense.
Genome position (GRCh38, 1-based): chr5:112,841,938, T>G. VCF-style: chr5-112841938-T-G. GRCh37 (hg19) VCF-style: chr5-112177635-T-G.
Other names: c.6344T>G, p.Leu2115Ter (NM_001127510.3, NM_001354895.2); c.6290T>G, p.Leu2097Ter (NM_001127511.3); c.6398T>G, p.Leu2133Ter (NM_001354896.2); c.6374T>G, p.Leu2125Ter (NM_001354897.2); c.6269T>G, p.Leu2090Ter (NM_001354898.2); c.6260T>G, p.Leu2087Ter (NM_001354899.2); c.6221T>G, p.Leu2074Ter (NM_001354900.2); c.6167T>G, p.Leu2056Ter (NM_001354901.2); and 5 more; short protein forms L2097*, L2115*, L2087*, L1955*, L2056*, L1832*, L1989*, L2074*.
Identifiers: ClinVar variation 231203 (VCV000231203.5), dbSNP rs876659022, ClinGen allele CA10578427.